The following is an entry in ClinVar:

ClinVar aggregate classification (germline): Likely benign. Review status: criteria provided, multiple submitters, no conflicts (2 of 4 stars). 2 submissions from 2 submitters: Likely benign (2). Last evaluated 2025-10-03.

Conditions:
COQ9-related disorder. Also called: COQ9-related condition.

Allele frequency attached by ClinVar (database versions not stated): ExAC 0.00001; gnomAD exomes 0.00001; TOPMed 0.00010.
gnomAD v4.1: 38 of 1,613,468 alleles (0.0024%); highest among the groups gnomAD compares: African/African-American, 0.04%; no homozygotes.

Submissions (2):

PreventionGenetics, part of Exact Sciences
Classification: Likely benign for COQ9-related condition. Last evaluated: 2025-10-03. Review status: criteria provided, single submitter. Criteria: ACMG Guidelines, 2015. Collection method: clinical testing. Allele origin: germline.
Comment: This variant is classified as likely benign based on ACMG/AMP sequence variant interpretation guidelines (Richards et al. 2015 PMID: 25741868, with internal and published modifications).

Labcorp Genetics (formerly Invitae), Labcorp
Classification: Likely benign. Last evaluated: 2025-01-27. Review status: criteria provided, single submitter. Criteria: Invitae Variant Classification Sherloc (09022015). Collection method: clinical testing. Allele origin: germline.

NM_020312.4(COQ9):c.285T>C (p.Ser95=)

Gene: COQ9 (coenzyme Q9; plus strand). Cytogenetic location: 16q21.
Variant type: single nucleotide variant.
Coding change: c.285T>C on transcript NM_020312.4 (MANE Select); coding-DNA position 285, T replaced by C.
Protein change: p.Ser95=; no amino-acid change (serine 95 retained).
Molecular consequence: synonymous variant.
Genome position (GRCh38, 1-based): chr16:57,452,843, T>C. VCF-style: chr16-57452843-T-C. GRCh37 (hg19) VCF-style: chr16-57486755-T-C.
Other names: c.285T>C (NM_020312.3).
Identifiers: ClinVar variation 2180633 (VCV002180633.5), dbSNP rs755987442, ClinGen allele CA8076142.